The following is an entry in ClinVar:

NM_007255.3(B4GALT7):c.185G>A (p.Arg62Lys)

Gene: B4GALT7 (beta-1,4-galactosyltransferase 7; plus strand). Cytogenetic location: 5q35.3.
Variant type: single nucleotide variant.
Coding change: c.185G>A on transcript NM_007255.3 (MANE Select); coding-DNA position 185, G replaced by A.
Protein change: p.Arg62Lys; replaces arginine 62 with lysine.
Molecular consequence: missense variant.
Genome position (GRCh38, 1-based): chr5:177,604,313, G>A. VCF-style: chr5-177604313-G-A. GRCh37 (hg19) VCF-style: chr5-177031314-G-A.
Other names: p.Arg62Lys; short protein forms R62K.
Identifiers: ClinVar variation 585081 (VCV000585081.14), dbSNP rs373059256, ClinGen allele CA3586399.
Genomic context (GRCh38, chr5:177,604,313, plus strand): 5'-GCTTCTTCTCCCTACTCTGGCTGCAGCTCAGCTGCTCTGGGGACGTGGCCCGGGCAGTCA[G>A]GGGACAAGGGCAGGAGACCTCGGGCCCTCCCCGTGCCTGCCCCCCAGAGCCGCCCCCTGA-3'
Protein context (NP_009186.1, residues 52-72): SCSGDVARAV[Arg62Lys]GQGQETSGPP

ClinVar aggregate classification (germline): Uncertain significance. Review status: criteria provided, multiple submitters, no conflicts (2 of 4 stars). 5 submissions from 5 submitters: Uncertain significance (5). Last evaluated 2026-04-21.

Conditions:
Spondylodysplastic Ehlers-Danlos syndrome. Identifiers: Orphanet 536471, Orphanet 75496, MedGen C5680154, MONDO:0007526.
Inborn genetic diseases. Identifiers: MedGen C0950123, MeSH D030342.

Allele frequency attached by ClinVar (database versions not stated): ExAC 0.00008; ESP Exome Variant Server 0.00008; gnomAD exomes 0.00009; gnomAD 0.00011 and 0.00012; TOPMed 0.00014.

Submissions (5):

Women's Health and Genetics/Laboratory Corporation of America, LabCorp
Classification: Uncertain significance. Last evaluated: 2026-04-21. Review status: criteria provided, single submitter. Criteria: LabCorp Variant Classification Summary - May 2015. Collection method: clinical testing. Allele origin: germline.
Comment: Variant summary: B4GALT7 c.185G>A (p.Arg62Lys) results in a conservative amino acid change in the encoded protein sequence. Algorithms developed to predict the effect of missense changes on protein structure and function all suggest that this variant is likely to be tolerated. The variant allele was found at a frequency of 8.7e-05 in 240458 control chromosomes. This frequency is not significantly higher than estimated for disease-causing variants in B4GALT7, allowing no conclusion about variant significance. To our knowledge, no occurrence of c.185G>A in individuals affected with B4GALT7-related conditions and no experimental evidence demonstrating its impact on protein function have been reported. ClinVar contains an entry for this variant (Variation ID: 585081). Based on the evidence outlined above, the variant was classified as uncertain significance.

Mayo Clinic Laboratories, Mayo Clinic
Classification: Uncertain significance. Last evaluated: 2025-02-11. Review status: criteria provided, single submitter. Criteria: ACMG Guidelines, 2015. Collection method: clinical testing. Allele origin: germline. Observed: 3 variant alleles.
Comment: BP4_moderate

Blueprint Genetics
Classification: Uncertain significance. Last evaluated: 2024-11-14. Review status: criteria provided, single submitter. Criteria: ACMG Guidelines, 2015. Collection method: clinical testing. Allele origin: germline.

Ambry Genetics
Classification: Uncertain significance for Inborn genetic diseases. Last evaluated: 2024-06-16. Review status: criteria provided, single submitter. Criteria: Ambry Variant Classification Scheme 2023. Collection method: clinical testing. Allele origin: germline.

Labcorp Genetics (formerly Invitae), Labcorp
Classification: Uncertain significance for Spondylodysplastic Ehlers-Danlos syndrome. Last evaluated: 2022-07-30. Review status: criteria provided, single submitter. Criteria: Invitae Variant Classification Sherloc (09022015). Collection method: clinical testing. Allele origin: germline.
Comment: This sequence change replaces arginine, which is basic and polar, with lysine, which is basic and polar, at codon 62 of the B4GALT7 protein (p.Arg62Lys). This variant is present in population databases (rs373059256, gnomAD 0.02%). This variant has not been reported in the literature in individuals affected with B4GALT7-related conditions. ClinVar contains an entry for this variant (Variation ID: 585081). Algorithms developed to predict the effect of missense changes on protein structure and function output the following: SIFT: "Tolerated"; PolyPhen-2: "Benign"; Align-GVGD: "Class C0". The lysine amino acid residue is found in multiple mammalian species, which suggests that this missense change does not adversely affect protein function. In summary, the available evidence is currently insufficient to determine the role of this variant in disease. Therefore, it has been classified as a Variant of Uncertain Significance.